The following is an entry in ClinVar:

NM_001077197.2(PDE11A):c.58A>T (p.Lys20Ter)

Gene: PDE11A (phosphodiesterase 11A; minus strand). Cytogenetic location: 2q31.2.
Variant type: single nucleotide variant.
Coding change: c.58A>T on transcript NM_001077197.2; coding-DNA position 58, A replaced by T.
Protein change: p.Lys20Ter; replaces lysine 20 with a stop codon.
Molecular consequence: nonsense.
Genome position (GRCh38, 1-based): chr2:178,104,406, T>A on the plus strand (A>T on the coding strand, the complement: PDE11A is on the minus strand). VCF-style: chr2-178104406-T-A. GRCh37 (hg19) VCF-style: chr2-178969133-T-A.
Other names: short protein forms K20*.
Identifiers: ClinVar variation 3037485 (VCV003037485.3), dbSNP rs148183964, ClinGen allele CA1982383.

ClinVar aggregate classification (germline): Likely benign. Review status: criteria provided, single submitter (1 of 4 stars). 2 submissions from 2 submitters: Likely benign (1). 1 of the submissions does not count toward it. Last evaluated 2024-07-19.

Conditions:
PDE11A-related disorder. Also called: PDE11A-related condition.

Allele frequency attached by ClinVar (database versions not stated): gnomAD exomes 0.00028; TOPMed 0.00361; ExAC 0.00090; 1000 Genomes Project 30x 0.00250; gnomAD 0.00293; 1000 Genomes Project 0.00300; ESP Exome Variant Server 0.00303.
gnomAD v4.1: 889 of 1,614,038 alleles (0.055%); highest among the groups gnomAD compares: African/African-American, 1%; 6 homozygotes.

Submissions (2):

Blueprint Genetics
Classification: Likely benign. Last evaluated: 2024-07-19. Review status: criteria provided, single submitter. Criteria: ACMG Guidelines, 2015. Collection method: clinical testing. Allele origin: germline.

PreventionGenetics, part of Exact Sciences
Classification: Likely benign for PDE11A-related condition. Last evaluated: 2023-05-31. Review status: no assertion criteria provided. Collection method: clinical testing. Allele origin: germline. Not counted in ClinVar's aggregate classification.
Comment: This variant is classified as likely benign based on ACMG/AMP sequence variant interpretation guidelines (Richards et al. 2015 PMID: 25741868, with internal and published modifications).